The following is an entry in ClinVar:

NM_001854.4(COL11A1):c.892A>G (p.Thr298Ala)

Gene: COL11A1 (collagen type XI alpha 1 chain; minus strand). Cytogenetic location: 1p21.1.
Variant type: single nucleotide variant.
Coding change: c.892A>G on transcript NM_001854.4 (MANE Select); coding-DNA position 892, A replaced by G.
Protein change: p.Thr298Ala; replaces threonine 298 with alanine.
Molecular consequence: missense variant. On other transcripts: non-coding transcript variant (1), intron variant (2).
Genome position (GRCh38, 1-based): chr1:103,026,221, T>C on the plus strand (A>G on the coding strand, the complement: COL11A1 is on the minus strand). VCF-style: chr1-103026221-T-C. GRCh37 (hg19) VCF-style: chr1-103491777-T-C.
Other names: c.892A>G, p.Thr298Ala (NM_080630.4); c.781-608A>G (NM_001190709.2); c.781-269A>G (NM_080629.3); short protein forms T298A.
Identifiers: ClinVar variation 1137995 (VCV001137995.18), dbSNP rs144966407, ClinGen allele CA975283.

ClinVar aggregate classification (germline): Conflicting classifications of pathogenicity. Review status: criteria provided, conflicting classifications (1 of 4 stars). 4 submissions from 4 submitters: Uncertain significance (1); Benign (1); Likely benign (1). 1 of the submissions does not count toward it. Last evaluated 2026-02-01.

Conditions:
COL11A1-related disorder. Also called: COL11A1-related condition; COL11A1-related disorders.

Allele frequency attached by ClinVar (database versions not stated): gnomAD exomes 0.00008; ExAC 0.00009; ESP Exome Variant Server 0.00031; TOPMed 0.00035; gnomAD 0.00036 and 0.00037; 1000 Genomes Project 0.00080; 1000 Genomes Project 30x 0.00094.
gnomAD v4.1: 111 of 1,608,808 alleles (0.0069%); highest among the groups gnomAD compares: African/African-American, 0.14%; no homozygotes.

Submissions (4):

Labcorp Genetics (formerly Invitae), Labcorp
Classification: Likely benign. Last evaluated: 2026-02-01. Review status: criteria provided, single submitter. Criteria: Invitae Variant Classification Sherloc (09022015). Collection method: clinical testing. Allele origin: germline.

GeneDx
Classification: Uncertain significance. Last evaluated: 2024-07-17. Review status: criteria provided, single submitter. Criteria: GeneDx Variant Classification Process June 2021. Collection method: clinical testing. Allele origin: germline. Affected: yes.
Comment: In silico analysis supports that this missense variant does not alter protein structure/function; Has not been previously published as pathogenic or benign to our knowledge; Not located in the triple helical region, where the majority of pathogenic missense variants occur (HGMD; PMID: 25240749); This variant is associated with the following publications: (PMID: 25240749)

Blueprint Genetics
Classification: Benign. Last evaluated: 2023-10-27. Review status: criteria provided, single submitter. Criteria: ACMG Guidelines, 2015. Collection method: clinical testing. Allele origin: germline.

PreventionGenetics, part of Exact Sciences
Classification: Likely benign for COL11A1-related condition. Last evaluated: 2024-02-02. Review status: no assertion criteria provided. Collection method: clinical testing. Allele origin: germline. Not counted in ClinVar's aggregate classification.
Comment: This variant is classified as likely benign based on ACMG/AMP sequence variant interpretation guidelines (Richards et al. 2015 PMID: 25741868, with internal and published modifications).